The following is an entry in ClinVar:

NM_001199138.2(NLRC4):c.377T>C (p.Ile126Thr)

Gene: NLRC4 (NLR family CARD domain containing 4; minus strand). Cytogenetic location: 2p22.3.
Variant type: single nucleotide variant.
Coding change: c.377T>C on transcript NM_001199138.2 (MANE Select); coding-DNA position 377, T replaced by C.
Protein change: p.Ile126Thr; replaces isoleucine 126 with threonine.
Molecular consequence: missense variant. On other transcripts: intron variant (1).
Genome position (GRCh38, 1-based): chr2:32,251,487, A>G on the plus strand (T>C on the coding strand, the complement: NLRC4 is on the minus strand). VCF-style: chr2-32251487-A-G. GRCh37 (hg19) VCF-style: chr2-32476556-A-G.
Other names: c.377T>C, p.Ile126Thr (NM_021209.5, NM_001199139.2); c.262+932T>C (NM_001302504.1); short protein forms I126T.
Identifiers: ClinVar variation 658728 (VCV000658728.8), dbSNP rs750365698, ClinGen allele CA1602152.

ClinVar aggregate classification (germline): Uncertain significance (1 of 4 stars; one submission).

Conditions:
Periodic fever-infantile enterocolitis-autoinflammatory syndrome. Also called: Autoinflammation with infantile enterocolitis. Identifiers: Orphanet 436166, MedGen C4015067, MONDO:0014472, OMIM 616050.
Familial cold autoinflammatory syndrome 4 (FCAS4). Identifiers: Orphanet 47045, Orphanet 576349, MedGen C4015276, MONDO:0014498, OMIM 616115.

Allele frequency attached by ClinVar (database versions not stated): gnomAD exomes below 0.00001 and 0.00001; ExAC 0.00001; TOPMed 0.00003; gnomAD 0.00001.
gnomAD v4.1: 19 of 1,614,044 alleles (0.0012%); highest among the groups gnomAD compares: Non-Finnish European, 0.0016%; no homozygotes.

Submission:

Labcorp Genetics (formerly Invitae), Labcorp
Classification: Uncertain significance for Periodic fever-infantile enterocolitis-autoinflammatory syndrome; Familial cold autoinflammatory syndrome 4. Last evaluated: 2025-09-29. Review status: criteria provided, single submitter. Criteria: Invitae Variant Classification Sherloc (09022015). Collection method: clinical testing. Allele origin: germline.
Comment: This sequence change replaces isoleucine, which is neutral and non-polar, with threonine, which is neutral and polar, at codon 126 of the NLRC4 protein (p.Ile126Thr). This variant is present in population databases (rs750365698, gnomAD 0.0009%). This variant has not been reported in the literature in individuals affected with NLRC4-related conditions. ClinVar contains an entry for this variant (Variation ID: 658728). Invitae Evidence Modeling of protein sequence and biophysical properties (such as structural, functional, and spatial information, amino acid conservation, physicochemical variation, residue mobility, and thermodynamic stability) indicates that this missense variant is expected to disrupt NLRC4 protein function with a positive predictive value of 80%. In summary, the available evidence is currently insufficient to determine the role of this variant in disease. Therefore, it has been classified as a Variant of Uncertain Significance.